The following is an entry in ClinVar:

ClinVar aggregate classification (germline): Uncertain significance. Review status: criteria provided, multiple submitters, no conflicts (2 of 4 stars). 2 submissions from 2 submitters: Uncertain significance (2). Last evaluated 2022-10-24.

Conditions:
Osteogenesis imperfecta (OI). Identifiers: Orphanet 666, MedGen C0029434, MeSH D010013, MONDO:0019019.

Allele frequency attached by ClinVar (database versions not stated): gnomAD exomes below 0.00001 and 0.00001; ExAC 0.00001; gnomAD 0.00001; TOPMed 0.00001.
gnomAD v4.1: 10 of 1,613,744 alleles (0.00062%); highest among the groups gnomAD compares: East Asian, 0.0022%; no homozygotes.

Submissions (2):

Labcorp Genetics (formerly Invitae), Labcorp
Classification: Uncertain significance. Last evaluated: 2022-10-24. Review status: criteria provided, single submitter. Criteria: Invitae Variant Classification Sherloc (09022015). Collection method: clinical testing. Allele origin: germline.
Comment: This variant has not been reported in the literature in individuals affected with LRP5-related conditions. In summary, the available evidence is currently insufficient to determine the role of this variant in disease. Therefore, it has been classified as a Variant of Uncertain Significance. Advanced modeling of protein sequence and biophysical properties (such as structural, functional, and spatial information, amino acid conservation, physicochemical variation, residue mobility, and thermodynamic stability) has been performed at Invitae for this missense variant, however the output from this modeling did not meet the statistical confidence thresholds required to predict the impact of this variant on LRP5 protein function. ClinVar contains an entry for this variant (Variation ID: 1476280). The frequency data for this variant in the population databases is considered unreliable, as metrics indicate poor data quality at this position in the gnomAD database. This sequence change replaces aspartic acid, which is acidic and polar, with asparagine, which is neutral and polar, at codon 364 of the LRP5 protein (p.Asp364Asn).

Genome Diagnostics Laboratory, The Hospital for Sick Children
Classification: Uncertain significance for Osteogenesis imperfecta. Last evaluated: 2022-07-05. Review status: criteria provided, single submitter. Criteria: ACMG Guidelines, 2015. Collection method: clinical testing. Allele origin: germline.

NM_002335.4(LRP5):c.1090G>A (p.Asp364Asn)

Gene: LRP5 (LDL receptor related protein 5; plus strand). Cytogenetic location: 11q13.2.
Variant type: single nucleotide variant.
Coding change: c.1090G>A on transcript NM_002335.4 (MANE Select); coding-DNA position 1090, G replaced by A.
Protein change: p.Asp364Asn; replaces aspartic acid 364 with asparagine.
Molecular consequence: missense variant. On other transcripts: 5 prime UTR variant (1).
Genome position (GRCh38, 1-based): chr11:68,386,390, G>A. VCF-style: chr11-68386390-G-A. GRCh37 (hg19) VCF-style: chr11-68153858-G-A.
Other names: c.-676G>A (NM_001291902.2); short protein forms D364N.
Identifiers: ClinVar variation 1476280 (VCV001476280.11), dbSNP rs771711120, ClinGen allele CA6149244.